The following is an entry in ClinVar:

NM_000038.6(APC):c.6914G>C (p.Arg2305Thr)

Gene: APC (APC regulator of Wnt signaling pathway; plus strand). Cytogenetic location: 5q22.2.
Variant type: single nucleotide variant.
Coding change: c.6914G>C on transcript NM_000038.6 (MANE Select); coding-DNA position 6914, G replaced by C.
Protein change: p.Arg2305Thr; replaces arginine 2305 with threonine.
Molecular consequence: missense variant.
Genome position (GRCh38, 1-based): chr5:112,842,508, G>C. VCF-style: chr5-112842508-G-C. GRCh37 (hg19) VCF-style: chr5-112178205-G-C.
Other names: c.6914G>C, p.Arg2305Thr (NM_001127510.3, NM_001354895.2); c.6860G>C, p.Arg2287Thr (NM_001127511.3); c.6968G>C, p.Arg2323Thr (NM_001354896.2); c.6944G>C, p.Arg2315Thr (NM_001354897.2); c.6839G>C, p.Arg2280Thr (NM_001354898.2); c.6830G>C, p.Arg2277Thr (NM_001354899.2); c.6791G>C, p.Arg2264Thr (NM_001354900.2); c.6737G>C, p.Arg2246Thr (NM_001354901.2); and 5 more; short protein forms R2287T, R2305T, R2264T, R2280T, R2315T, R2323T, R2179T, R2204T.
Identifiers: ClinVar variation 629323 (VCV000629323.15), dbSNP rs1561611221, ClinGen allele CA16036413.

ClinVar aggregate classification (germline): Uncertain significance. Review status: criteria provided, multiple submitters, no conflicts (2 of 4 stars). 3 submissions from 3 submitters: Uncertain significance (3). Last evaluated 2026-02-13.

Conditions:
Hereditary cancer-predisposing syndrome. Also called: Neoplastic Syndromes, Hereditary; Hereditary neoplastic syndrome; Tumor predisposition; Hereditary Cancer Syndrome. Identifiers: Orphanet 140162, MedGen C0027672, MeSH D009386, MONDO:0015356.
Familial adenomatous polyposis 1 (FAP1). Also called: FAMILIAL ADENOMATOUS POLYPOSIS 1, ATTENUATED; POLYPOSIS, ADENOMATOUS INTESTINAL. Identifiers: MedGen C2713442, MONDO:0021056, OMIM 175100. Disease mechanism: loss of function.

Submissions (3):

Ambry Genetics
Classification: Uncertain significance for Hereditary cancer-predisposing syndrome. Last evaluated: 2026-02-13. Review status: criteria provided, single submitter. Criteria: Ambry Variant Classification Scheme 2023. Collection method: clinical testing. Allele origin: germline.
Comment: The p.R2305T variant (also known as c.6914G>C), located in coding exon 15 of the APC gene, results from a G to C substitution at nucleotide position 6914. The arginine at codon 2305 is replaced by threonine, an amino acid with similar properties. This amino acid position is well conserved in available vertebrate species. In addition, in silico predictors for this gene do not accurately predict pathogenicity. Missense variants in APC are not a common cause of disease (Spier I et al. Genet Med. 2024 Feb;26(2):100992). Based on the available evidence, the clinical significance of this variant remains unclear.

Labcorp Genetics (formerly Invitae), Labcorp
Classification: Uncertain significance for Familial adenomatous polyposis 1. Last evaluated: 2025-10-06. Review status: criteria provided, single submitter. Criteria: Invitae Variant Classification Sherloc (09022015). Collection method: clinical testing. Allele origin: germline.
Comment: This sequence change replaces arginine, which is basic and polar, with threonine, which is neutral and polar, at codon 2305 of the APC protein (p.Arg2305Thr). This variant is not present in population databases (gnomAD no frequency). This variant has not been reported in the literature in individuals affected with APC-related conditions. ClinVar contains an entry for this variant (Variation ID: 629323). Invitae Evidence Modeling of protein sequence and biophysical properties (such as structural, functional, and spatial information, amino acid conservation, physicochemical variation, residue mobility, and thermodynamic stability) indicates that this missense variant is not expected to disrupt APC protein function with a negative predictive value of 95%. In summary, the available evidence is currently insufficient to determine the role of this variant in disease. Therefore, it has been classified as a Variant of Uncertain Significance.

Color Diagnostics, LLC DBA Color Health
Classification: Uncertain significance for Hereditary cancer-predisposing syndrome. Last evaluated: 2019-06-03. Review status: criteria provided, single submitter. Criteria: ACMG Guidelines, 2015. Collection method: clinical testing. Allele origin: germline.